The following is an entry in ClinVar:

NM_003265.3(TLR3):c.653A>G (p.His218Arg)

Gene: TLR3 (toll like receptor 3; plus strand). Cytogenetic location: 4q35.1.
Variant type: single nucleotide variant.
Coding change: c.653A>G on transcript NM_003265.3 (MANE Select); coding-DNA position 653, A replaced by G.
Protein change: p.His218Arg; replaces histidine 218 with arginine.
Molecular consequence: missense variant.
Genome position (GRCh38, 1-based): chr4:186,082,339, A>G. VCF-style: chr4-186082339-A-G. GRCh37 (hg19) VCF-style: chr4-187003493-A-G.
Other names: short protein forms H218R.
Identifiers: ClinVar variation 1018006 (VCV001018006.10), dbSNP rs757464669, ClinGen allele CA3161282.

ClinVar aggregate classification (germline): Uncertain significance (1 of 4 stars; one submission).

Conditions:
Encephalopathy, acute, infection-induced (herpes-specific), susceptibility to, 1. Also called: Herpes simplex encephalitis, susceptibility to, 1. Identifiers: Orphanet 1930, MedGen C2750180, MONDO:0024563, OMIM 610551.

Allele frequency attached by ClinVar (database versions not stated): gnomAD exomes below 0.00001 and 0.00001; ExAC 0.00001.
gnomAD v4.1: 1 of 1,603,794 alleles (0.000062%); highest among the groups gnomAD compares: Non-Finnish European, 0.000085%; no homozygotes.

Submission:

Labcorp Genetics (formerly Invitae), Labcorp
Classification: Uncertain significance for Encephalopathy, acute, infection-induced (herpes-specific), susceptibility to, 1. Last evaluated: 2020-02-02. Review status: criteria provided, single submitter. Criteria: Invitae Variant Classification Sherloc (09022015). Collection method: clinical testing. Allele origin: germline.
Comment: This sequence change replaces histidine with arginine at codon 218 of the TLR3 protein (p.His218Arg). The histidine residue is weakly conserved and there is a small physicochemical difference between histidine and arginine. This variant is present in population databases (rs757464669, ExAC 0.002%). This variant has not been reported in the literature in individuals with TLR3-related conditions. Algorithms developed to predict the effect of missense changes on protein structure and function output the following: SIFT: "Tolerated"; PolyPhen-2: "Benign"; Align-GVGD: "Class C0". The arginine amino acid residue is found in multiple mammalian species, suggesting that this missense change does not adversely affect protein function. These predictions have not been confirmed by published functional studies and their clinical significance is uncertain. In summary, the available evidence is currently insufficient to determine the role of this variant in disease. Therefore, it has been classified as a Variant of Uncertain Significance.